The following is an entry in ClinVar:

ClinVar aggregate classification (germline): Likely pathogenic (1 of 4 stars; one submission).

Conditions:
Lissencephaly 10. Identifiers: MedGen C5394354, MONDO:0030031, OMIM 618873.

Submission:

Human Genetics Bochum, Ruhr University Bochum
Classification: Likely pathogenic for Lissencephaly 10. Last evaluated: 2023-09-22. Review status: criteria provided, single submitter. Criteria: ACMG Guidelines, 2015. Collection method: clinical testing. Allele origin: germline. Affected: yes.
Comment: ACMG criteria used to clasify this variant: PVS1

NM_001178035.2(CEP85L):c.57_60del (p.Ser20fs)

Gene: CEP85L (centrosomal protein 85L; minus strand). Cytogenetic location: 6q22.31.
Variant type: Deletion.
Coding change: c.57_60del on transcript NM_001178035.2; coding-DNA positions 57 to 60, 4 bases deleted (ATCA; older notation c.57_60delATCA).
Protein change: p.Ser20fs; shifts the reading frame from serine 20.
Molecular consequence: frameshift variant.
Genome position (GRCh38, 1-based): chr6:118,652,722-118,652,725, TGAT deleted on the plus strand (ATCA on the coding strand, the reverse complement: CEP85L is on the minus strand); deleting any 4 consecutive bases within chr6:118,652,722-118,652,727 gives the same sequence; the c. name uses the placement nearest the transcript's 3' end. VCF-style (leftmost placement, unchanged base first): chr6-118652721-CTGAT-C. GRCh37 (hg19) VCF-style: chr6-118973884-CTGAT-C.
Other names: short protein forms S20fs.
Identifiers: ClinVar variation 3027447 (VCV003027447.1), dbSNP rs767792503, ClinGen allele CA3978226.
Genomic context (GRCh38, chr6:118,652,721, plus strand): 5'-GAAGTTAAATTAGATTTAGGTGTGTGTTCTATCACTTACCACATCCGTGTTGTAATTTAT[CTGAT>C]TGGAGTTTTACATTTAGTCTCCCTGTGGTAGACTTCCAATTATTTCTCCAAATCATGTAA-3'